The following is an entry in ClinVar:

NM_006516.4(SLC2A1):c.941G>A (p.Gly314Asp)

Gene: SLC2A1 (solute carrier family 2 member 1; minus strand). Cytogenetic location: 1p34.2.
Variant type: single nucleotide variant.
Coding change: c.941G>A on transcript NM_006516.4 (MANE Select); coding-DNA position 941, G replaced by A.
Protein change: p.Gly314Asp; replaces glycine 314 with aspartic acid.
Molecular consequence: missense variant.
Genome position (GRCh38, 1-based): chr1:42,929,241, C>T on the plus strand (G>A on the coding strand, the complement: SLC2A1 is on the minus strand). VCF-style: chr1-42929241-C-T. GRCh37 (hg19) VCF-style: chr1-43394912-C-T.
Other names: short protein forms G314D.
Identifiers: ClinVar variation 1479049 (VCV001479049.6), dbSNP rs2124448295, ClinGen allele CA339956517.

ClinVar aggregate classification (germline): Likely pathogenic (1 of 4 stars; one submission).

Conditions:
GLUT1 deficiency syndrome 1, autosomal recessive. Identifiers: MedGen C3149117.

Submission:

Labcorp Genetics (formerly Invitae), Labcorp
Classification: Likely pathogenic for GLUT1 deficiency syndrome 1, autosomal recessive. Last evaluated: 2021-11-12. Review status: criteria provided, single submitter. Criteria: Invitae Variant Classification Sherloc (09022015). Collection method: clinical testing. Allele origin: germline.
Comment: In summary, the currently available evidence indicates that the variant is pathogenic, but additional data are needed to prove that conclusively. Therefore, this variant has been classified as Likely Pathogenic. This variant disrupts the p.Gly314 amino acid residue in SLC2A1. Other variant(s) that disrupt this residue have been determined to be pathogenic (PMID: 11076005, 18451999, 26615598, 27351150). This suggests that this residue is clinically significant, and that variants that disrupt this residue are likely to be disease-causing. Advanced modeling of protein sequence and biophysical properties (such as structural, functional, and spatial information, amino acid conservation, physicochemical variation, residue mobility, and thermodynamic stability) performed at Invitae indicates that this missense variant is expected to disrupt SLC2A1 protein function. This variant has not been reported in the literature in individuals affected with SLC2A1-related conditions. This variant is not present in population databases (gnomAD no frequency). This sequence change replaces glycine, which is neutral and non-polar, with aspartic acid, which is acidic and polar, at codon 314 of the SLC2A1 protein (p.Gly314Asp).

Literature cited by the submitters: PubMed 11076005; PubMed 18451999; PubMed 26615598; PubMed 27351150.